The following is an entry in ClinVar:

ClinVar aggregate classification (germline): Uncertain significance (1 of 4 stars; one submission).

gnomAD v4.1: 31 of 1,614,154 alleles (0.0019%); highest among the groups gnomAD compares: Non-Finnish European, 0.0025%; no homozygotes.

Submission:

Ambry Genetics
Classification: Uncertain significance. Last evaluated: 2024-03-16. Review status: criteria provided, single submitter. Criteria: Ambry Variant Classification Scheme 2023. Collection method: clinical testing. Allele origin: germline.
Comment: The p.V424L variant (also known as c.1270G>T), located in coding exon 7 of the PKP4 gene, results from a G to T substitution at nucleotide position 1270. The valine at codon 424 is replaced by leucine, an amino acid with highly similar properties. This amino acid position is conserved. In addition, this alteration is predicted to be tolerated by in silico analysis. Based on the available evidence, the clinical significance of this alteration remains unclear.

NM_003628.6(PKP4):c.1270G>T (p.Val424Leu)

Gene: PKP4 (plakophilin 4; plus strand). Cytogenetic location: 2q24.1.
Variant type: single nucleotide variant.
Coding change: c.1270G>T on transcript NM_003628.6 (MANE Select); coding-DNA position 1270, G replaced by T.
Protein change: p.Val424Leu; replaces valine 424 with leucine.
Molecular consequence: missense variant.
Genome position (GRCh38, 1-based): chr2:158,631,869, G>T. VCF-style: chr2-158631869-G-T. GRCh37 (hg19) VCF-style: chr2-159488381-G-T.
Other names: c.1270G>T, p.Val424Leu (NM_001005476.4, NM_001304969.3, NM_001304971.2 and 6 more transcripts); c.244G>T, p.Val82Leu (NM_001304970.3); c.1264G>T, p.Val422Leu (NM_001377222.1, NM_001377223.1, NM_001377224.1); short protein forms V424L, V422L, V82L.
Identifiers: ClinVar variation 3307116 (VCV003307116.1).